The following is an entry in ClinVar:

NM_000531.6(OTC):c.102A>G (p.Lys34=)

Gene: OTC (ornithine transcarbamylase; plus strand). Cytogenetic location: Xp11.4.
Variant type: single nucleotide variant.
Coding change: c.102A>G on transcript NM_000531.6 (MANE Select); coding-DNA position 102, A replaced by G.
Protein change: p.Lys34=; no amino-acid change (lysine 34 retained).
Molecular consequence: synonymous variant.
Genome position (GRCh38, 1-based): chrX:38,367,315, A>G. VCF-style: chrX-38367315-A-G. GRCh37 (hg19) VCF-style: chrX-38226568-A-G.
Other names: c.102A>G, p.Lys34= (NM_001407092.1).
Identifiers: ClinVar variation 3387407 (VCV003387407.2).

ClinVar aggregate classification (germline): Likely benign (1 of 4 stars; one submission).

Conditions:
Ornithine carbamoyltransferase deficiency (OTCD). Also called: Ornithine Carbamoyltransferase Deficiency Disease; ORNITHINE TRANSCARBAMYLASE DEFICIENCY; ORNITHINE TRANSCARBAMYLASE DEFICIENCY, HYPERAMMONEMIA DUE TO; OTC DEFICIENCY. Identifiers: Orphanet 664, MedGen C0268542, MONDO:0010703, OMIM 311250.

Submissions (2):

All of Us Research Program, National Institutes of Health
Classification: Likely benign for Ornithine carbamoyltransferase deficiency. Last evaluated: 2024-05-14. Review status: criteria provided, single submitter. Criteria: ACMG Guidelines, 2015. Collection method: clinical testing. Allele origin: germline. Inheritance: X-linked inheritance. Observed: 1 variant allele, 1 heterozygote.
Comment: This study involves interpretation of variants in research participants for the purpose of population health screening. Participant phenotype was not available at the time of variant classification. Additional details can be found in publication PMID: 35346344, PMCID: PMC8962531

Dr. Peter K. Rogan Lab, Western University
No classification provided (evidence only). Condition: Nonpapillary renal cell carcinoma. Review status: no classification provided. Collection method: in vitro. Allele origin: not applicable. Functional consequence: retained intron. Not counted in ClinVar's aggregate classification.